The following is an entry in ClinVar:

NM_001256545.2(MEGF10):c.1771G>A (p.Ala591Thr)

Gene: MEGF10 (multiple EGF like domains 10; plus strand). Cytogenetic location: 5q23.2.
Variant type: single nucleotide variant.
Coding change: c.1771G>A on transcript NM_001256545.2 (MANE Select); coding-DNA position 1771, G replaced by A.
Protein change: p.Ala591Thr; replaces alanine 591 with threonine.
Molecular consequence: missense variant.
Genome position (GRCh38, 1-based): chr5:127,433,440, G>A. VCF-style: chr5-127433440-G-A. GRCh37 (hg19) VCF-style: chr5-126769132-G-A.
Other names: c.1771G>A, p.Ala591Thr (NM_032446.3); short protein forms A591T.
Identifiers: ClinVar variation 1952193 (VCV001952193.2), dbSNP rs762845713, ClinGen allele CA3391716.

ClinVar aggregate classification (germline): Uncertain significance (1 of 4 stars; one submission).

Conditions:
MEGF10-related myopathy (CMYO10A). Also called: Congenital myopathy 10A, severe variant. Identifiers: Orphanet 439212, MedGen C3280679, MONDO:0013731, OMIM 614399.

Allele frequency attached by ClinVar (database versions not stated): ExAC 0.00001; TOPMed 0.00001.
gnomAD v4.1: 5 of 1,614,044 alleles (0.00031%); highest among the groups gnomAD compares: Admixed American, 0.0017%; no homozygotes.

Submission:

Labcorp Genetics (formerly Invitae), Labcorp
Classification: Uncertain significance for MEGF10-related myopathy. Last evaluated: 2022-05-15. Review status: criteria provided, single submitter. Criteria: Invitae Variant Classification Sherloc (09022015). Collection method: clinical testing. Allele origin: germline.
Comment: This sequence change replaces alanine, which is neutral and non-polar, with threonine, which is neutral and polar, at codon 591 of the MEGF10 protein (p.Ala591Thr). This variant is not present in population databases (gnomAD no frequency). This variant has not been reported in the literature in individuals affected with MEGF10-related conditions. Algorithms developed to predict the effect of missense changes on protein structure and function (SIFT, PolyPhen-2, Align-GVGD) all suggest that this variant is likely to be disruptive. In summary, the available evidence is currently insufficient to determine the role of this variant in disease. Therefore, it has been classified as a Variant of Uncertain Significance.